The following is an entry in ClinVar:

ClinVar aggregate classification (germline): Conflicting classifications of pathogenicity. Review status: criteria provided, conflicting classifications (1 of 4 stars). 2 submissions from 2 submitters: Uncertain significance (1); Benign (1). Last evaluated 2022-07-19.

Allele frequency attached by ClinVar (database versions not stated): gnomAD exomes below 0.00001 and 0.00001; TOPMed below 0.00001; ExAC 0.00001; gnomAD 0.00001.
gnomAD v4.1: 17 of 1,611,828 alleles (0.0011%); highest among the groups gnomAD compares: Middle Eastern, 0.016%; no homozygotes.

Submissions (2):

Labcorp Genetics (formerly Invitae), Labcorp
Classification: Uncertain significance. Last evaluated: 2022-07-19. Review status: criteria provided, single submitter. Criteria: Invitae Variant Classification Sherloc (09022015). Collection method: clinical testing. Allele origin: germline.
Comment: Advanced modeling of protein sequence and biophysical properties (such as structural, functional, and spatial information, amino acid conservation, physicochemical variation, residue mobility, and thermodynamic stability) performed at Invitae indicates that this missense variant is not expected to disrupt GRM6 protein function. This sequence change replaces methionine, which is neutral and non-polar, with isoleucine, which is neutral and non-polar, at codon 712 of the GRM6 protein (p.Met712Ile). This variant is present in population databases (rs754893934, gnomAD 0.0009%). This variant has not been reported in the literature in individuals affected with GRM6-related conditions. ClinVar contains an entry for this variant (Variation ID: 1019145). In summary, the available evidence is currently insufficient to determine the role of this variant in disease. Therefore, it has been classified as a Variant of Uncertain Significance.

GeneDx
Classification: Benign. Last evaluated: 2015-03-03. Review status: criteria provided, single submitter. Criteria: GeneDx Variant Classification Process June 2021. Collection method: clinical testing. Allele origin: germline. Affected: yes.

NM_000843.4(GRM6):c.2136G>A (p.Met712Ile)

Genes: GRM6 (glutamate metabotropic receptor 6; minus strand), ZNF454 (zinc finger protein 454; plus strand). Cytogenetic location: 5q35.3.
Variant type: single nucleotide variant.
Coding change: c.2136G>A on transcript NM_000843.4 (MANE Select); coding-DNA position 2136, G replaced by A.
Protein change: p.Met712Ile; replaces methionine 712 with isoleucine.
Molecular consequence: missense variant.
Genome position (GRCh38, 1-based): chr5:178,983,210, C>T on the plus strand (G>A on the coding strand, the complement: GRM6 is on the minus strand). VCF-style: chr5-178983210-C-T. GRCh37 (hg19) VCF-style: chr5-178410211-C-T.
Other names: short protein forms M712I.
Identifiers: ClinVar variation 1019145 (VCV001019145.11), dbSNP rs754893934, ClinGen allele CA3593619.